The following is an entry in ClinVar:

ClinVar aggregate classification (germline): Likely benign (1 of 4 stars; one submission).

Allele frequency attached by ClinVar (database versions not stated): gnomAD exomes 0.00034; ExAC 0.00068; 1000 Genomes Project 30x 0.00187; 1000 Genomes Project 0.00200; gnomAD 0.00204; TOPMed 0.00228; ESP Exome Variant Server 0.00261.
gnomAD v4.1: 824 of 1,614,090 alleles (0.051%); highest among the groups gnomAD compares: African/African-American, 0.72%; 5 homozygotes.

Submissions (2):

CeGaT Center for Human Genetics Tuebingen
Classification: Likely benign. Last evaluated: 2023-04-01. Review status: criteria provided, single submitter. Criteria: CeGaT Center For Human Genetics Tuebingen Variant Classification Criteria Version 2. Collection method: clinical testing. Allele origin: germline. Affected: yes. Observed: 1 variant allele.
Comment: PPRC1: BP4, BP7, BS2

Dr. Peter K. Rogan Lab, Western University
No classification provided (evidence only). Condition: Uterine corpus endometrial carcinoma. Review status: no classification provided. Collection method: in vitro. Allele origin: not applicable. Functional consequence: retained intron. Not counted in ClinVar's aggregate classification.

NM_015062.5(PPRC1):c.1878G>A (p.Pro626=)

Gene: PPRC1 (PPARG related coactivator 1; plus strand). Cytogenetic location: 10q24.32.
Variant type: single nucleotide variant.
Coding change: c.1878G>A on transcript NM_015062.5 (MANE Select); coding-DNA position 1878, G replaced by A.
Protein change: p.Pro626=; no amino-acid change (proline 626 retained).
Molecular consequence: synonymous variant.
Genome position (GRCh38, 1-based): chr10:102,140,386, G>A. VCF-style: chr10-102140386-G-A. GRCh37 (hg19) VCF-style: chr10-103900143-G-A.
Other names: NC_000010.10:g.103900143G>A; c.1878G>A, p.Pro626= (NM_001288727.2); c.1518G>A, p.Pro506= (NM_001288728.2).
Identifiers: ClinVar variation 2640780 (VCV002640780.25), dbSNP rs111282144, ClinGen allele CA5660933.